The following is an entry in ClinVar:

ClinVar aggregate classification (germline): Likely benign. Review status: criteria provided, multiple submitters, no conflicts (2 of 4 stars). 3 submissions from 3 submitters: Likely benign (3). Last evaluated 2026-04-01.

gnomAD v4.1: 32 of 1,551,192 alleles (0.0021%); highest among the groups gnomAD compares: Admixed American, 0.0059%; no homozygotes.

Submissions (3):

CeGaT Center for Human Genetics Tuebingen
Classification: Likely benign. Last evaluated: 2026-04-01. Review status: criteria provided, single submitter. Criteria: CeGaT Center For Human Genetics Tuebingen Variant Classification Criteria Version 2. Collection method: clinical testing. Allele origin: germline. Affected: yes. Observed: 1 variant allele.
Comment: NOTCH3: BP4, BP7

Labcorp Genetics (formerly Invitae), Labcorp
Classification: Likely benign. Last evaluated: 2025-10-09. Review status: criteria provided, single submitter. Criteria: Invitae Variant Classification Sherloc (09022015). Collection method: clinical testing. Allele origin: germline.

Mayo Clinic Laboratories, Mayo Clinic
Classification: Likely benign. Last evaluated: 2025-04-01. Review status: criteria provided, single submitter. Criteria: ACMG Guidelines, 2015. Collection method: clinical testing. Allele origin: germline. Observed: 1 variant allele.
Comment: BP4, BP7

NM_000435.3(NOTCH3):c.2739G>T (p.Pro913=)

Gene: NOTCH3 (notch receptor 3; minus strand). Cytogenetic location: 19p13.12.
Variant type: single nucleotide variant.
Coding change: c.2739G>T on transcript NM_000435.3 (MANE Select); coding-DNA position 2739, G replaced by T.
Protein change: p.Pro913=; no amino-acid change (proline 913 retained).
Molecular consequence: synonymous variant.
Genome position (GRCh38, 1-based): chr19:15,181,629, C>A on the plus strand (G>T on the coding strand, the complement: NOTCH3 is on the minus strand). VCF-style: chr19-15181629-C-A. GRCh37 (hg19) VCF-style: chr19-15292440-C-A.
Other names: p.Pro913=.
Identifiers: ClinVar variation 4684321 (VCV004684321.4).